The following is an entry in ClinVar:

ClinVar aggregate classification (germline): Benign. Review status: criteria provided, multiple submitters, no conflicts (2 of 4 stars). 2 submissions from 2 submitters: Benign (2). Last evaluated 2018-06-14.

Allele frequency attached by ClinVar (database versions not stated): 1000 Genomes Project 0.34405; 1000 Genomes Project 30x 0.35415; gnomAD 0.37808 and 0.38914; TOPMed 0.38654.
gnomAD v4.1: 57,426 of 152,064 alleles (38%); highest among the groups gnomAD compares: African/African-American, 59%; 12,307 homozygotes.

Submissions (2):

GeneDx
Classification: Benign. Last evaluated: 2018-06-14. Review status: criteria provided, single submitter. Criteria: GeneDx Variant Classification (06012015). Collection method: clinical testing. Allele origin: germline. Affected: yes.
Comment: This variant is considered likely benign or benign based on one or more of the following criteria: it is a conservative change, it occurs at a poorly conserved position in the protein, it is predicted to be benign by multiple in silico algorithms, and/or has population frequency not consistent with disease.

Breakthrough Genomics
Classification: Benign. Review status: criteria provided, single submitter. Criteria: ACMG Guidelines, 2015. Collection method: not provided. Allele origin: germline. Inheritance: Autosomal dominant inheritance. Affected: yes.

NM_001134407.3(GRIN2A):c.1123-177T>C

Gene: GRIN2A (glutamate ionotropic receptor NMDA type subunit 2A; minus strand). Cytogenetic location: 16p13.2.
Variant type: single nucleotide variant.
Coding change: c.1123-177T>C on transcript NM_001134407.3 (MANE Select); 177 bases into the intron before coding-DNA position 1123, T replaced by C.
Molecular consequence: intron variant.
Genome position (GRCh38, 1-based): chr16:9,850,138, A>G on the plus strand (T>C on the coding strand, the complement: GRIN2A is on the minus strand). VCF-style: chr16-9850138-A-G. GRCh37 (hg19) VCF-style: chr16-9943995-A-G.
Other names: c.1123-177T>C (NM_001134408.2, NM_000833.5).
Identifiers: ClinVar variation 681642 (VCV000681642.2), dbSNP rs8054791, ClinGen allele CA14277455.
Genomic context (GRCh38, chr16:9,850,138, plus strand): 5'-CTCAACATATGCATCTACTTCTGTGCTAAGACAAACGGGCATAAAGAGAAAACAGAATAT[A>G]GGGCAGTTCTCCATCCCAGCCGCCCTCATCCCCAGAGGAATCAACCTGCATCTCTGGAGG-3'